The following is an entry in ClinVar:

ClinVar aggregate classification (germline): Pathogenic (1 of 4 stars; one submission).

Conditions:
Developmental and epileptic encephalopathy. Identifiers: MedGen C5779964, MONDO:0100620.

Submission:

Labcorp Genetics (formerly Invitae), Labcorp
Classification: Pathogenic for Early-infantile DEE. Last evaluated: 2019-07-09. Review status: criteria provided, single submitter. Criteria: Invitae Variant Classification Sherloc (09022015). Collection method: clinical testing. Allele origin: germline.
Comment: For these reasons, this variant has been classified as Pathogenic. Sub-genic deletion of exon 24 has been determined to be pathogenic (PMID: 18930999). Therefore, deletions that fully encompass that region are also expected to be pathogenic. This variant has not been reported in the literature in individuals with SCN1A-related conditions. This variant is an in-frame deletion of the genomic region encompassing exons 23-24 of the SCN1A gene. It preserves the integrity of the reading frame.

Literature cited by the submitters: PubMed 18930999.

NC_000002.12:g.(?_165995993)_(165998195_?)del

Gene: SCN1A (sodium voltage-gated channel alpha subunit 1; minus strand). Cytogenetic location: 2q24.3.
Variant type: Deletion.
Identifiers: ClinVar variation 832910 (VCV000832910.4).